The following is an entry in ClinVar:

NM_212482.4(FN1):c.1186C>T (p.Gln396Ter)

Genes: FN1 (fibronectin 1; minus strand), LOC126806498 (CDK7 strongly-dependent group 2 enhancer GRCh37_chr2:216288045-216289244; plus strand). Cytogenetic location: 2q35.
Variant type: single nucleotide variant.
Coding change: c.1186C>T on transcript NM_212482.4 (MANE Select); coding-DNA position 1186, C replaced by T.
Protein change: p.Gln396Ter; replaces glutamine 396 with a stop codon.
Molecular consequence: nonsense.
Genome position (GRCh38, 1-based): chr2:215,424,176, G>A on the plus strand (C>T on the coding strand, the complement: FN1 is on the minus strand). VCF-style: chr2-215424176-G-A. GRCh37 (hg19) VCF-style: chr2-216288899-G-A.
Other names: c.1186C>T, p.Gln396Ter (NM_001365517.2, NM_001365518.2, NM_001365519.2 and 14 more transcripts); short protein forms Q396*.
Identifiers: ClinVar variation 4823696 (VCV004823696.4).

ClinVar aggregate classification (germline): Uncertain significance (1 of 4 stars; one submission).

Submission:

CeGaT Center for Human Genetics Tuebingen
Classification: Uncertain significance. Last evaluated: 2026-03-01. Review status: criteria provided, single submitter. Criteria: CeGaT Center For Human Genetics Tuebingen Variant Classification Criteria Version 2. Collection method: clinical testing. Allele origin: germline. Affected: yes. Observed: 1 variant allele.
Comment: FN1: PM2